The following is an entry in ClinVar:

ClinVar aggregate classification (germline): Uncertain significance (1 of 4 stars; one submission).

Conditions:
Hereditary nonpolyposis colorectal neoplasms. Identifiers: MedGen C0009405, MeSH D003123.

Submission:

Labcorp Genetics (formerly Invitae), Labcorp
Classification: Uncertain significance for Hereditary nonpolyposis colorectal neoplasms. Last evaluated: 2023-06-19. Review status: criteria provided, single submitter. Criteria: Invitae Variant Classification Sherloc (09022015). Collection method: clinical testing. Allele origin: germline.
Comment: Algorithms developed to predict the effect of sequence changes on RNA splicing suggest that this variant may disrupt the consensus splice site. In summary, the available evidence is currently insufficient to determine the role of this variant in disease. Therefore, it has been classified as a Variant of Uncertain Significance. Experimental studies and prediction algorithms are not available or were not evaluated, and the functional significance of this variant is currently unknown. This variant, c.3648_3653del, results in the deletion of 2 amino acid(s) of the MSH6 protein (p.Arg1217_Gly1218del), but otherwise preserves the integrity of the reading frame. This variant is not present in population databases (gnomAD no frequency). This variant has not been reported in the literature in individuals affected with MSH6-related conditions.

NC_000002.12:g.47806205_47806210del

Gene: MSH6 (mutS homolog 6; plus strand). Cytogenetic location: 2p16.3.
Variant type: Deletion.
Genome position: GRCh38 VCF-style: chr2-47806201-CAGGAAG-C. GRCh37 (hg19) VCF-style: chr2-48033340-CAGGAAG-C.
Identifiers: ClinVar variation 2719369 (VCV002719369.3), dbSNP rs2530837188, ClinGen allele CA2697548069.